The following is an entry in ClinVar:

NM_001367561.1(DOCK7):c.6256G>A (p.Asp2086Asn)

Gene: DOCK7 (dedicator of cytokinesis 7; minus strand). Cytogenetic location: 1p31.3.
Variant type: single nucleotide variant.
Coding change: c.6256G>A on transcript NM_001367561.1 (MANE Select); coding-DNA position 6256, G replaced by A.
Protein change: p.Asp2086Asn; replaces aspartic acid 2086 with asparagine.
Molecular consequence: missense variant.
Genome position (GRCh38, 1-based): chr1:62,457,662, C>T on the plus strand (G>A on the coding strand, the complement: DOCK7 is on the minus strand). VCF-style: chr1-62457662-C-T. GRCh37 (hg19) VCF-style: chr1-62923333-C-T.
Other names: c.6223G>A, p.Asp2075Asn (NM_001271999.2); c.6136G>A, p.Asp2046Asn (NM_001272000.2); c.6130G>A, p.Asp2044Asn (NM_001272001.2); c.6229G>A, p.Asp2077Asn (NM_001330614.2); c.6163G>A, p.Asp2055Asn (NM_033407.4); short protein forms D2046N, D2077N, D2044N, D2055N, D2086N, D2075N.
Identifiers: ClinVar variation 643255 (VCV000643255.9), dbSNP rs1374794957, ClinGen allele CA340598982.
Genomic context (GRCh38, chr1:62,457,662, plus strand): 5'-GTAGGGCCTCTTTAAGGCGATGATAGTTTCTCTCCAGTTCCCTTTGATACTCCTTTTGAT[C>T]CGGCCCAATTAAGCTCTTATTTTTTCTTAAGGCATCTTCACACCTAGGAAAAACAGGATG-3'
Protein context (NP_001354490.1, residues 2076-2096): LRKNKSLIGP[Asp2086Asn]QKEYQRELER

ClinVar aggregate classification (germline): Uncertain significance (1 of 4 stars; one submission).

Conditions:
Developmental and epileptic encephalopathy, 23 (DEE23). Also called: Epileptic encephalopathy, early infantile, 23. Identifiers: Orphanet 411986, MedGen C4014492, MONDO:0014371, OMIM 615859.

Allele frequency attached by ClinVar (database versions not stated): gnomAD exomes below 0.00001.

Submission:

Labcorp Genetics (formerly Invitae), Labcorp
Classification: Uncertain significance for Developmental and epileptic encephalopathy, 23. Last evaluated: 2022-09-01. Review status: criteria provided, single submitter. Criteria: Invitae Variant Classification Sherloc (09022015). Collection method: clinical testing. Allele origin: germline.
Comment: This variant is present in population databases (no rsID available, gnomAD 0.006%). In summary, the available evidence is currently insufficient to determine the role of this variant in disease. Therefore, it has been classified as a Variant of Uncertain Significance. Algorithms developed to predict the effect of missense changes on protein structure and function are either unavailable or do not agree on the potential impact of this missense change (SIFT: "Deleterious"; PolyPhen-2: "Probably Damaging"; Align-GVGD: "Class C15"). ClinVar contains an entry for this variant (Variation ID: 643255). This variant has not been reported in the literature in individuals affected with DOCK7-related conditions. This sequence change replaces aspartic acid, which is acidic and polar, with asparagine, which is neutral and polar, at codon 2075 of the DOCK7 protein (p.Asp2075Asn).